The following is an entry in ClinVar:

NM_006231.2:c.5676_5678delCAG

Gene: POLE (DNA polymerase epsilon, catalytic subunit; minus strand).
Variant type: Deletion.
Identifiers: ClinVar variation 3935635 (VCV003935635.1).

ClinVar aggregate classification (germline): Uncertain significance (1 of 4 stars; one submission).

Conditions:
Hereditary cancer-predisposing syndrome. Also called: Tumor predisposition; Hereditary neoplastic syndrome; Hereditary Cancer Syndrome; Neoplastic Syndromes, Hereditary. Identifiers: Orphanet 140162, MedGen C0027672, MeSH D009386, MONDO:0015356.

Submission:

Ambry Genetics
Classification: Uncertain significance for Hereditary cancer-predisposing syndrome. Last evaluated: 2025-06-09. Review status: criteria provided, single submitter. Criteria: Ambry Variant Classification Scheme 2023. Collection method: clinical testing. Allele origin: germline.
Comment: The c.5676_5678delCAG variant (also known as p.S1893del) is located in coding exon 41 of the POLE gene. This variant results from an in-frame CAG deletion at nucleotide positions 5676 to 5678. This results in the in-frame deletion of a serine at codon 1893. This amino acid position is highly conserved in available vertebrate species. In addition, this variant is predicted to be deleterious by in silico analysis (Choi Y et al. PLoS ONE. 2012; 7(10):e46688). Based on the available evidence, the clinical significance of this variant remains unclear.